The following is an entry in ClinVar:

ClinVar aggregate classification (germline): Pathogenic (1 of 4 stars; one submission).

Conditions:
Neurofibromatosis, type 1 (NF1). Also called: NEUROFIBROMATOSIS, TYPE I, SOMATIC; VON RECKLINGHAUSEN DISEASE; Peripheral type neurofibromatosis; Neurofibromatosis, type I. Identifiers: Orphanet 636, MedGen C0027831, MONDO:0018975, OMIM 162200. Disease mechanism: loss of function.

Submission:

Labcorp Genetics (formerly Invitae), Labcorp
Classification: Pathogenic for Neurofibromatosis, type 1. Last evaluated: 2021-12-28. Review status: criteria provided, single submitter. Criteria: Invitae Variant Classification Sherloc (09022015). Collection method: clinical testing. Allele origin: germline.
Comment: Algorithms developed to predict the effect of sequence changes on RNA splicing suggest that this variant may create or strengthen a splice site. This variant has not been reported in the literature in individuals affected with NF1-related conditions. This variant is not present in population databases (gnomAD no frequency). This sequence change creates a premature translational stop signal (p.Ser361Valfs*15) in the NF1 gene. It is expected to result in an absent or disrupted protein product. Loss-of-function variants in NF1 are known to be pathogenic (PMID: 10712197, 23913538). For these reasons, this variant has been classified as Pathogenic.

Literature cited by the submitters: PubMed 10712197; PubMed 23913538.

NM_001042492.3(NF1):c.1081del (p.Ser361fs)

Gene: NF1 (neurofibromin 1; plus strand). Cytogenetic location: 17q11.2.
Variant type: Deletion.
Coding change: c.1081del on transcript NM_001042492.3 (MANE Select); coding-DNA position 1081, one base deleted (A; older notation c.1081delA).
Protein change: p.Ser361fs; shifts the reading frame from serine 361.
Molecular consequence: frameshift variant.
Genome position (GRCh38, 1-based): chr17:31,201,055, A deleted; the last of 2 consecutive A bases (chr17:31,201,054-31,201,055); deleting either gives the same sequence. VCF-style (leftmost placement, unchanged base first): chr17-31201053-CA-C. GRCh37 (hg19) VCF-style: chr17-29528071-CA-C.
Other names: c.1081delA, p.Ser361Valfs (NM_000267.4); c.1081del, p.Ser361fs (NM_001128147.3); short protein forms S361fs.
Identifiers: ClinVar variation 2063869 (VCV002063869.4), dbSNP rs2544796783, ClinGen allele CA2580092893.
Genomic context (GRCh38, chr17:31,201,053, plus strand): 5'-CATGGGTATTTAAAGGCTTTTGTTTTCTGTTGGGGTTTTTATAGAACCTGCTTTTTAATC[CA>C]AGTAAGCCATTCTCAAGAGGCAGTCAGCCTGCAGATGTGGATCTAATGATTGACTGCCTT-3'